The following is an entry in ClinVar:

ClinVar aggregate classification (germline): Uncertain significance (1 of 4 stars; one submission).

Conditions:
Hyperaldosteronism, familial, type IV (HALD4). Also called: FH IV; ALDOSTERONISM, PRIMARY, AND HYPERTENSION. Identifiers: Orphanet 642671, MedGen C4310756, MONDO:0014875, OMIM 617027.
Idiopathic generalized epilepsy. Also called: Generalised epilepsy; EIG. Identifiers: MedGen C0270850, MONDO:0005579, OMIM 600669.

Submission:

Labcorp Genetics (formerly Invitae), Labcorp
Classification: Uncertain significance for Idiopathic generalized epilepsy; Hyperaldosteronism, familial, type IV. Last evaluated: 2022-03-29. Review status: criteria provided, single submitter. Criteria: Invitae Variant Classification Sherloc (09022015). Collection method: clinical testing. Allele origin: germline.
Comment: This sequence change falls in intron 20 of the CACNA1H gene. It does not directly change the encoded amino acid sequence of the CACNA1H protein. Information on the frequency of this variant in the gnomAD database is not available, as this variant may be reported differently in the database. This variant has not been reported in the literature in individuals affected with CACNA1H-related conditions. Experimental studies and prediction algorithms are not available or were not evaluated, and the effect of this variant on mRNA splicing is currently unknown. In summary, the available evidence is currently insufficient to determine the role of this variant in disease. Therefore, it has been classified as a Variant of Uncertain Significance.

NM_021098.3(CACNA1H):c.4039-20_4039-19delinsAA

Gene: CACNA1H (calcium voltage-gated channel subunit alpha1 H; plus strand). Cytogenetic location: 16p13.3.
Variant type: Indel.
Coding change: c.4039-20_4039-19delinsAA on transcript NM_021098.3 (MANE Select); 20 bases into the intron before coding-DNA position 4039 through 19 bases into the intron before coding-DNA position 4039, GT replaced by AA.
Molecular consequence: intron variant.
Genome position (GRCh38, 1-based): chr16:1,210,767-1,210,768, GT replaced by AA. VCF-style: chr16-1210767-GT-AA. GRCh37 (hg19) VCF-style: chr16-1260767-GT-AA.
Other names: c.4039-20_4039-19delinsAA (NM_001005407.2).
Identifiers: ClinVar variation 2202642 (VCV002202642.4), dbSNP rs2548701304, ClinGen allele CA2580090411.
Genomic context (GRCh38, chr16:1,210,767, plus strand): 5'-CCCACCCCCACCCAGCAGCGCGCCAGCTCCCCAGACCCCCCACGCCTGAGCCTGAGCTCA[GT>AA]GCCATTGGCCCTCCGCAGGTGGTGGCCCTGGGGCTGCTGTCCGGCGAGCACGCCTACCTG-3'